The following is an entry in ClinVar:

ClinVar aggregate classification (germline): Likely pathogenic. Review status: criteria provided, multiple submitters, no conflicts (2 of 4 stars). 3 submissions from 3 submitters: Likely pathogenic (3). Last evaluated 2026-09-01.

Conditions:
Inborn genetic diseases. Identifiers: MedGen C0950123, MeSH D030342.
Intellectual disability, autosomal dominant 34 (NEDHSF). Also called: INTELLECTUAL DEVELOPMENTAL DISORDER, AUTOSOMAL DOMINANT 34; NEURODEVELOPMENTAL DISORDER WITH HYPOTONIA, SPEECH DELAY, AND DYSMORPHIC FACIES; CERTRA SYNDROME; Ceramide Transporter Syndrome. Identifiers: MedGen C4225156, MONDO:0014599, OMIM 616351.

Submissions (3):

CeGaT Center for Human Genetics Tuebingen
Classification: Likely pathogenic. Last evaluated: 2026-09-01. Review status: criteria provided, single submitter. Criteria: CeGaT Center For Human Genetics Tuebingen Variant Classification Criteria Version 2. Collection method: clinical testing. Allele origin: germline. Affected: yes. Observed: 1 variant allele.
Comment: CERT1: PM2, PM5, PS2:Moderate, PM1:Supporting

Human Genetics Bochum, Ruhr University Bochum
Classification: Likely pathogenic for Intellectual disability, autosomal dominant 34. Last evaluated: 2025-02-17. Review status: criteria provided, single submitter. Criteria: ACMG Guidelines, 2015. Collection method: clinical testing. Allele origin: germline. Affected: yes.
Comment: de novo; ACMG criteria used to clasify this variant: PS2, PM2_SUP, PP3

Ambry Genetics
Classification: Likely pathogenic for Inborn genetic diseases. Last evaluated: 2017-01-10. Review status: criteria provided, single submitter. Criteria: Ambry exome assertion method (8-5-2015). Collection method: clinical testing. Allele origin: germline. Affected: yes. Observed: 1 variant allele.

Literature cited by the submitters: PubMed 28135719 (cited by Ambry Genetics); PubMed 17442665 (cited by Ambry Genetics); PubMed 25356899 (cited by Ambry Genetics); PubMed 23033978 (cited by Ambry Genetics); PubMed 25533962 (cited by Ambry Genetics).

NM_001379029.1(CERT1):c.404C>T (p.Ser135Phe)

Gene: CERT1 (ceramide transporter 1; minus strand). Cytogenetic location: 5q13.3.
Variant type: single nucleotide variant.
Coding change: c.404C>T on transcript NM_001379029.1 (MANE Select); coding-DNA position 404, C replaced by T.
Protein change: p.Ser135Phe; replaces serine 135 with phenylalanine.
Molecular consequence: missense variant.
Genome position (GRCh38, 1-based): chr5:75,426,423, G>A on the plus strand (C>T on the coding strand, the complement: CERT1 is on the minus strand). VCF-style: chr5-75426423-G-A. GRCh37 (hg19) VCF-style: chr5-74722248-G-A.
Other names: c.788C>T, p.Ser263Phe (NM_001130105.1); c.404C>T, p.Ser135Phe (NM_001379002.1, NM_001379003.1, NM_001379004.1 and 2 more transcripts); short protein forms S135F, S263F.
Identifiers: ClinVar variation 985122 (VCV000985122.5), dbSNP rs1763619016, ClinGen allele CA360136990.